The following is an entry in ClinVar:

NM_000088.4(COL1A1):c.2867G>C (p.Gly956Ala)

Gene: COL1A1 (collagen type I alpha 1 chain; minus strand). Cytogenetic location: 17q21.33.
Variant type: single nucleotide variant.
Coding change: c.2867G>C on transcript NM_000088.4 (MANE Select); coding-DNA position 2867, G replaced by C.
Protein change: p.Gly956Ala; replaces glycine 956 with alanine.
Molecular consequence: missense variant.
Genome position (GRCh38, 1-based): chr17:50,189,238, C>G on the plus strand (G>C on the coding strand, the complement: COL1A1 is on the minus strand). VCF-style: chr17-50189238-C-G. GRCh37 (hg19) VCF-style: chr17-48266599-C-G.
Other names: short protein forms G956A.
Identifiers: ClinVar variation 1333364 (VCV001333364.1), dbSNP rs2144549155, ClinGen allele CA400205037.

ClinVar aggregate classification (germline): Likely pathogenic (1 of 4 stars; one submission).

Conditions:
Osteogenesis imperfecta with normal sclerae, dominant form (OI4). Also called: OSTEOGENESIS IMPERFECTA WITH NORMAL SCLERAE; Osteogenesis imperfecta type 4; OSTEOGENESIS IMPERFECTA, TYPE IV, WITH DENTINOGENESIS IMPERFECTA; Osteogenesis Imperfecta Type IV; Common Variable Osteogenesis Imperfecta with Normal Sclerae. Identifiers: Orphanet 216820, Orphanet 666, MedGen C0268363, MONDO:0008148, OMIM 166220.

Submission:

3billion
Classification: Likely pathogenic for Osteogenesis imperfecta with normal sclerae, dominant form. Last evaluated: 2022-01-03. Review status: criteria provided, single submitter. Criteria: ACMG Guidelines, 2015. Collection method: clinical testing. Allele origin: germline. Affected: yes. Observed: 1 heterozygote.
Comment: Same nucleotide change resulting in same amino acid change has been previously reported to be associated with COL1A1 related disorder (PMID:27748872, PS1_P). A different missense change at the same codon has been reported as pathogenic/likely pathogenic with strong evidence (ClinVar ID: VCV000209140, PM5_M). In silico tool predictions suggest damaging effect of the variant on gene or gene product (REVEL: 0.979, 3CNET: 0.985, PP3_P). It is not observed in the gnomAD v2.1.1 dataset (PM2_M). Therefore, this variant is classified as likely pathogenic according to the recommendation of ACMG/AMP guideline.

Literature cited by the submitters: PubMed 27748872.